The following is an entry in ClinVar:

NM_005035.4(POLRMT):c.3582-7A>G

Gene: POLRMT (RNA polymerase mitochondrial; minus strand). Cytogenetic location: 19p13.3.
Variant type: single nucleotide variant.
Coding change: c.3582-7A>G on transcript NM_005035.4 (MANE Select); 7 bases into the intron before coding-DNA position 3582, A replaced by G.
Molecular consequence: intron variant.
Genome position (GRCh38, 1-based): chr19:617,487, T>C on the plus strand (A>G on the coding strand, the complement: POLRMT is on the minus strand). VCF-style: chr19-617487-T-C. GRCh37 (hg19) VCF-style: chr19-617487-T-C.
Other names: c.3540-7A>G (NM_001407813.1); c.3561-7A>G (NM_001407811.1); c.3570-7A>G (NM_001407810.1); c.3591-7A>G (NM_001407807.1, NM_001407808.1); c.3573-7A>G (NM_001407809.1); c.3594-7A>G (NM_001407806.1); c.3258-7A>G (NM_001407832.1, NM_001407833.1); c.3357-7A>G (NM_001407830.1); and 10 more.
Identifiers: ClinVar variation 3376307 (VCV003376307.1).

ClinVar aggregate classification (germline): Uncertain significance (1 of 4 stars; one submission).

Conditions:
Combined oxidative phosphorylation deficiency 55 (COXPD55). Identifiers: MedGen C5676915, MONDO:0859228, OMIM 619743.

Submission:

Pittsburgh Clinical Genomics Laboratory, University of Pittsburgh Medical Center
Classification: Uncertain significance for Combined oxidative phosphorylation deficiency 55. Last evaluated: 2023-07-11. Review status: criteria provided, single submitter. Criteria: ACMG Guidelines, 2015. Collection method: clinical testing. Allele origin: germline. Inheritance: Autosomal unknown. Affected: yes.
Comment: This sequence variant is a single nucleotide substitution (A>G) at the -7 position upstream of exon 20 of the POLRMT gene. This variant is absent from ClinVar and has not been reported in the literature in individuals with POLRMT-related disease, to our knowledge. This variant is present in 12 of 273748 alleles (0.0044%) in the gnomAD population dataset. Predictions from splicing tools suggest that this variant may affect normal POLRMT splicing, yet studies examining the functiol consequence of this variant have not been performed, to our knowledge. At this time, there is insufficient evidence to determine if this variant is pathogenic or benign. Therefore, we consider this a variant of uncertain significance. ACMG Criteria: